The following is an entry in ClinVar:

NM_020928.2(ZSWIM6):c.1567G>A (p.Asp523Asn)

Gene: ZSWIM6 (zinc finger SWIM-type containing 6; plus strand). Cytogenetic location: 5q12.1.
Variant type: single nucleotide variant.
Coding change: c.1567G>A on transcript NM_020928.2 (MANE Select); coding-DNA position 1567, G replaced by A.
Protein change: p.Asp523Asn; replaces aspartic acid 523 with asparagine.
Molecular consequence: missense variant.
Genome position (GRCh38, 1-based): chr5:61,525,853, G>A. VCF-style: chr5-61525853-G-A. GRCh37 (hg19) VCF-style: chr5-60821680-G-A.
Other names: short protein forms D523N.
Identifiers: ClinVar variation 1402454 (VCV001402454.6), dbSNP rs1428199352, ClinGen allele CA359943340.

ClinVar aggregate classification (germline): Uncertain significance (1 of 4 stars; one submission).

gnomAD v4.1: 12 of 1,551,788 alleles (0.00077%); highest among the groups gnomAD compares: East Asian, 0.0049%; no homozygotes.

Submission:

Labcorp Genetics (formerly Invitae), Labcorp
Classification: Uncertain significance. Last evaluated: 2025-09-20. Review status: criteria provided, single submitter. Criteria: Invitae Variant Classification Sherloc (09022015). Collection method: clinical testing. Allele origin: germline.
Comment: This sequence change replaces aspartic acid, which is acidic and polar, with asparagine, which is neutral and polar, at codon 523 of the ZSWIM6 protein (p.Asp523Asn). This variant is present in population databases (no rsID available, gnomAD 0.008%). This variant has not been reported in the literature in individuals affected with ZSWIM6-related conditions. ClinVar contains an entry for this variant (Variation ID: 1402454). An algorithm developed to predict the effect of missense changes on protein structure and function (PolyPhen-2) suggests that this variant is likely to be tolerated. In summary, the available evidence is currently insufficient to determine the role of this variant in disease. Therefore, it has been classified as a Variant of Uncertain Significance.